The following is an entry in ClinVar:

ClinVar aggregate classification (germline): Pathogenic. Review status: criteria provided, single submitter (1 of 4 stars). 2 submissions from 2 submitters: Pathogenic (1). 1 of the submissions does not count toward it. Last evaluated 2024-02-17.

Conditions:
Bartter disease type 2. Also called: HYPOKALEMIC ALKALOSIS WITH HYPERCALCIURIA 2, ANTENATAL; HYPERPROSTAGLANDIN E SYNDROME 2; Bartter syndrome, type 2, antenatal. Identifiers: Orphanet 112, Orphanet 620220, MedGen C1855849, MONDO:0009424, OMIM 241200.

Allele frequency attached by ClinVar (database versions not stated): gnomAD exomes below 0.00001; TOPMed below 0.00001; ExAC 0.00001.
gnomAD v4.1: 5 of 1,613,666 alleles (0.00031%); highest among the groups gnomAD compares: South Asian, 0.0055%; no homozygotes.

Submissions (2):

Labcorp Genetics (formerly Invitae), Labcorp
Classification: Pathogenic. Last evaluated: 2024-02-17. Review status: criteria provided, single submitter. Criteria: Invitae Variant Classification Sherloc (09022015). Collection method: clinical testing. Allele origin: germline.
Comment: This sequence change replaces serine, which is neutral and polar, with arginine, which is basic and polar, at codon 219 of the KCNJ1 protein (p.Ser219Arg). This variant is present in population databases (rs104894245, gnomAD 0.003%). This missense change has been observed in individual(s) with Bartter syndrome (PMID: 24400161). In at least one individual the data is consistent with being in trans (on the opposite chromosome) from a pathogenic variant. It has also been observed to segregate with disease in related individuals. ClinVar contains an entry for this variant (Variation ID: 9155). An algorithm developed to predict the effect of missense changes on protein structure and function (PolyPhen-2) suggests that this variant is likely to be disruptive. Experimental studies have shown that this missense change affects KCNJ1 function (PMID: 24400161). For these reasons, this variant has been classified as Pathogenic.

OMIM
Classification: Pathogenic for BARTTER SYNDROME, TYPE 2, ANTENATAL. Last evaluated: 1998-06-01. Review status: no assertion criteria provided. Collection method: literature only. Allele origin: germline. Not counted in ClinVar's aggregate classification.

Literature cited by the submitters: PubMed 24400161 (cited by Labcorp Genetics (formerly Invitae), Labcorp); PubMed 8841184 (cited by OMIM); PubMed 9580661 (cited by OMIM).

NM_153766.3(KCNJ1):c.600C>G (p.Ser200Arg)

Gene: KCNJ1 (potassium inwardly rectifying channel subfamily J member 1; minus strand). Cytogenetic location: 11q24.3.
Variant type: single nucleotide variant.
Coding change: c.600C>G on transcript NM_153766.3 (MANE Select); coding-DNA position 600, C replaced by G.
Protein change: p.Ser200Arg; replaces serine 200 with arginine.
Molecular consequence: missense variant.
Genome position (GRCh38, 1-based): chr11:128,839,644, G>C on the plus strand (C>G on the coding strand, the complement: KCNJ1 is on the minus strand). VCF-style: chr11-128839644-G-C. GRCh37 (hg19) VCF-style: chr11-128709539-G-C.
Other names: c.657C>G, p.Ser219Arg (NM_000220.6); c.600C>G, p.Ser200Arg (NM_153764.3, NM_153767.4); c.651C>G, p.Ser217Arg (NM_153765.3); short protein forms S200R, S219R, S217R.
Identifiers: ClinVar variation 9155 (VCV000009155.4), dbSNP rs104894245, ClinGen allele CA120152.
Genomic context (GRCh38, chr11:128,839,644, plus strand): 5'-TCCTTCAGGAGTGACTGTGGTCTTCAGAAGCTTTCCATAAATGTGACTGCCAATAAGAAG[G>C]CTCTTCCTGAGATTAGCCACTCGGATTAGGAGGCAAAGCTTCCCTCCCCGTTTGCTGATC-3'
Protein context (NP_722450.1, residues 190-210): LLIRVANLRK[Ser200Arg]LLIGSHIYGK